The following is an entry in ClinVar:

ClinVar aggregate classification (germline): Uncertain significance (1 of 4 stars; one submission).

Conditions:
Baller-Gerold syndrome (BGS). Also called: CRANIOSYNOSTOSIS WITH RADIAL DEFECTS. Identifiers: Orphanet 1225, MedGen C0265308, MONDO:0009039, OMIM 218600.

Submission:

Labcorp Genetics (formerly Invitae), Labcorp
Classification: Uncertain significance for Baller-Gerold syndrome. Last evaluated: 2025-10-07. Review status: criteria provided, single submitter. Criteria: Invitae Variant Classification Sherloc (09022015). Collection method: clinical testing. Allele origin: germline.
Comment: This sequence change replaces glutamic acid, which is acidic and polar, with aspartic acid, which is acidic and polar, at codon 661 of the RECQL4 protein (p.Glu661Asp). This variant is not present in population databases (gnomAD no frequency). This variant has not been reported in the literature in individuals affected with RECQL4-related conditions. Invitae Evidence Modeling of protein sequence and biophysical properties (such as structural, functional, and spatial information, amino acid conservation, physicochemical variation, residue mobility, and thermodynamic stability) indicates that this missense variant is not expected to disrupt RECQL4 protein function with a negative predictive value of 80%. In summary, the available evidence is currently insufficient to determine the role of this variant in disease. Therefore, it has been classified as a Variant of Uncertain Significance.

NM_004260.4(RECQL4):c.1983G>C (p.Glu661Asp)

Gene: RECQL4 (RecQ like helicase 4; minus strand). Cytogenetic location: 8q24.3.
Variant type: single nucleotide variant.
Coding change: c.1983G>C on transcript NM_004260.4 (MANE Select); coding-DNA position 1983, G replaced by C.
Protein change: p.Glu661Asp; replaces glutamic acid 661 with aspartic acid.
Molecular consequence: missense variant. On other transcripts: non-coding transcript variant (3).
Genome position (GRCh38, 1-based): chr8:144,514,003, C>G on the plus strand (G>C on the coding strand, the complement: RECQL4 is on the minus strand). VCF-style: chr8-144514003-C-G. GRCh37 (hg19) VCF-style: chr8-145739387-C-G.
Other names: c.1887G>C, p.Glu629Asp (NM_001413017.1, NM_001413020.1); c.1983G>C, p.Glu661Asp (NM_001413018.1, NM_001413019.1, NM_001413036.1); c.912G>C, p.Glu304Asp (NM_001413021.1, NM_001413022.1, NM_001413034.1 and 6 more transcripts); c.780G>C, p.Glu260Asp (NM_001413037.1); c.1953G>C, p.Glu651Asp (NM_001413039.1); c.846G>C, p.Glu282Asp (NM_001413041.1, NM_001413027.1, NM_001413030.1 and 1 more transcripts); c.882G>C, p.Glu294Asp (NM_001413042.1); c.516G>C, p.Glu172Asp (NM_001413043.1); and 4 more; short protein forms E294D, E617D, E282D, E544D, E618D, E172D, E238D, E260D.
Identifiers: ClinVar variation 4769440 (VCV004769440.1).